The following is an entry in ClinVar:

ClinVar aggregate classification (germline): Uncertain significance (1 of 4 stars; one submission).

Conditions:
Fanconi anemia (FA). Also called: Fanconi's anemia. Identifiers: Orphanet 84, MedGen C0015625, MeSH D005199, MONDO:0019391.

gnomAD v4.1: 12 of 1,611,174 alleles (0.00074%); highest among the groups gnomAD compares: Non-Finnish European, 0.00093%; no homozygotes.

Submission:

Labcorp Genetics (formerly Invitae), Labcorp
Classification: Uncertain significance for Fanconi anemia. Last evaluated: 2020-04-07. Review status: criteria provided, single submitter. Criteria: Invitae Variant Classification Sherloc (09022015). Collection method: clinical testing. Allele origin: germline.
Comment: This sequence change replaces leucine with valine at codon 1388 of the FANCM protein (p.Leu1388Val). The leucine residue is weakly conserved and there is a small physicochemical difference between leucine and valine. In summary, the available evidence is currently insufficient to determine the role of this variant in disease. Therefore, it has been classified as a Variant of Uncertain Significance. Algorithms developed to predict the effect of missense changes on protein structure and function output the following: SIFT: "Tolerated"; PolyPhen-2: "Benign"; Align-GVGD: "Class C0". The valine amino acid residue is found in multiple mammalian species, suggesting that this missense change does not adversely affect protein function. These predictions have not been confirmed by published functional studies and their clinical significance is uncertain. This variant has not been reported in the literature in individuals with FANCM-related conditions. This variant is not present in population databases (ExAC no frequency).

NM_020937.4(FANCM):c.4162C>G (p.Leu1388Val)

Gene: FANCM (FA complementation group M; plus strand). Cytogenetic location: 14q21.2.
Variant type: single nucleotide variant.
Coding change: c.4162C>G on transcript NM_020937.4 (MANE Select); coding-DNA position 4162, C replaced by G.
Protein change: p.Leu1388Val; replaces leucine 1388 with valine.
Molecular consequence: missense variant.
Genome position (GRCh38, 1-based): chr14:45,176,916, C>G. VCF-style: chr14-45176916-C-G. GRCh37 (hg19) VCF-style: chr14-45646119-C-G.
Other names: c.4084C>G, p.Leu1362Val (NM_001308133.2); short protein forms L1362V, L1388V.
Identifiers: ClinVar variation 1054000 (VCV001054000.9), dbSNP rs769653358, ClinGen allele CA389604569.
Genomic context (GRCh38, chr14:45,176,916, plus strand): 5'-GTAAACCTACAAAGATTCAAAGAAGCATTGAATTCAACTTTTGATTATTCAGAATTTTCT[C>G]TAGAAAAGTCTAAAAGCAGTGGTCCAATGTATCTGCATAAATCCTGTCATTCTGTTGAAG-3'
Protein context (NP_065988.1, residues 1378-1398): NSTFDYSEFS[Leu1388Val]EKSKSSGPMY